The following is an entry in ClinVar:

NM_017565.4(FAM20A):c.1447del (p.Glu483fs)

Genes: FAM20A (FAM20A golgi associated secretory pathway pseudokinase; minus strand), PRKAR1A (protein kinase cAMP-dependent type I regulatory subunit alpha; plus strand). Cytogenetic location: 17q24.2.
Variant type: Deletion.
Coding change: c.1447del on transcript NM_017565.4 (MANE Select); coding-DNA position 1447, one base deleted (G; older notation c.1447delG).
Protein change: p.Glu483fs; shifts the reading frame from glutamic acid 483.
Molecular consequence: frameshift variant. On other transcripts: non-coding transcript variant (1), intron variant (1).
Genome position (GRCh38, 1-based): chr17:68,537,656, C deleted on the plus strand (G on the coding strand, the reverse complement: FAM20A is on the minus strand); the first of 2 consecutive C bases (chr17:68,537,656-68,537,657); deleting either gives the same sequence. VCF-style (leftmost placement, unchanged base first): chr17-68537655-TC-T. GRCh37 (hg19) VCF-style: chr17-66533796-TC-T.
Other names: c.1033del, p.Glu345fs (NM_001243746.2); c.973+7656del (NM_001276290.1); short protein forms E345fs, E483fs.
Identifiers: ClinVar variation 1696930 (VCV001696930.3), dbSNP rs762205955, ClinGen allele CA8729647.

ClinVar aggregate classification (germline): Pathogenic. Review status: criteria provided, multiple submitters, no conflicts (2 of 4 stars). 2 submissions from 2 submitters: Pathogenic (2). Last evaluated 2024-03-30.

Conditions:
Amelogenesis imperfecta type 1G (AI1G). Also called: Amelogenesis imperfecta hypoplastic type, IG; Amelogenesis imperfecta and nephrocalcinosis; Amelogenesis imperfecta nephrocalcinosis; Enamel renal syndrome; Absent enamel, nephrocalcinosis and apparently normal calcium metabolism; Generalized enamel hypoplasia and renal dysfunction. Identifiers: Orphanet 1031, Orphanet 171836, MedGen C2931783, MONDO:0008771, OMIM 204690. Disease mechanism: loss of function.

Submissions (2):

Fulgent Genetics
Classification: Pathogenic for Amelogenesis imperfecta type 1G. Last evaluated: 2024-03-30. Review status: criteria provided, single submitter. Criteria: ACMG Guidelines, 2015. Collection method: clinical testing. Allele origin: germline.

GeneDx
Classification: Pathogenic. Last evaluated: 2022-01-17. Review status: criteria provided, single submitter. Criteria: GeneDx Variant Classification Process June 2021. Collection method: clinical testing. Allele origin: germline. Affected: yes.
Comment: Frameshift variant predicted to result in protein truncation, as the last 53 amino acids are replaced with 23 different amino acids, and other loss-of-function variants have been reported downstream in HGMD.; This variant is associated with the following publications: (PMID: 30394349)